The following is an entry in ClinVar:

ClinVar aggregate classification (germline): Conflicting classifications of pathogenicity. Review status: criteria provided, conflicting classifications (1 of 4 stars). 6 submissions from 6 submitters: Uncertain significance (5); Likely benign (1). Last evaluated 2026-01-05.

Conditions:
Pheochromocytoma/paraganglioma syndrome 2. Also called: GLOMUS TUMORS, FAMILIAL, 2; Paragangliomas 2; SDHAF2-Related Hereditary Paraganglioma-Pheochromocytoma Syndrome (Paragangliomas 2); SDHAF2-Related Hereditary Paraganglioma-Pheochromocytoma Syndrome. Identifiers: Orphanet 29072, MedGen C1866552, MONDO:0011121, OMIM 601650.
Hereditary cancer-predisposing syndrome. Also called: Neoplastic Syndromes, Hereditary; Hereditary Cancer Syndrome; Tumor predisposition; Hereditary neoplastic syndrome. Identifiers: Orphanet 140162, MedGen C0027672, MeSH D009386, MONDO:0015356.
Hereditary pheochromocytoma and paraganglioma. Also called: Hereditary Paraganglioma-Pheochromocytoma Syndromes; Hereditary paragangliomas and pheochromocytomas; Hereditary pheochromocytoma-paraganglioma. Identifiers: Orphanet 29072, MedGen C4274332, MONDO:0017366.

Allele frequency attached by ClinVar (database versions not stated): gnomAD exomes below 0.00001 and 0.00001; TOPMed below 0.00001; ExAC 0.00001.
gnomAD v4.1: 4 of 1,614,100 alleles (0.00025%); highest among the groups gnomAD compares: Non-Finnish European, 0.00034%; no homozygotes.

Submissions (6):

Ambry Genetics
Classification: Likely benign for Hereditary cancer-predisposing syndrome. Last evaluated: 2026-01-05. Review status: criteria provided, single submitter. Criteria: Ambry Variant Classification Scheme 2023. Collection method: clinical testing. Allele origin: germline.

Labcorp Genetics (formerly Invitae), Labcorp
Classification: Uncertain significance for Hereditary pheochromocytoma and paraganglioma. Last evaluated: 2025-08-17. Review status: criteria provided, single submitter. Criteria: Invitae Variant Classification Sherloc (09022015). Collection method: clinical testing. Allele origin: germline.
Comment: This sequence change replaces threonine, which is neutral and polar, with isoleucine, which is neutral and non-polar, at codon 65 of the SDHAF2 protein (p.Thr65Ile). This variant is present in population databases (rs752462796, gnomAD 0.002%). This variant has not been reported in the literature in individuals affected with SDHAF2-related conditions. ClinVar contains an entry for this variant (Variation ID: 576139). An algorithm developed to predict the effect of missense changes on protein structure and function outputs the following: PolyPhen-2: "Benign". The isoleucine amino acid residue is found in multiple mammalian species, which suggests that this missense change does not adversely affect protein function. In summary, the available evidence is currently insufficient to determine the role of this variant in disease. Therefore, it has been classified as a Variant of Uncertain Significance.

Color Diagnostics, LLC DBA Color Health
Classification: Uncertain significance for Hereditary pheochromocytoma and paraganglioma. Last evaluated: 2024-03-06. Review status: criteria provided, single submitter. Criteria: ACMG Guidelines, 2015. Collection method: clinical testing. Allele origin: germline.
Comment: This missense variant replaces threonine with isoleucine at codon 65 of the SDHAF2 protein. Computational prediction suggests that this variant may not impact protein structure and function. To our knowledge, functional studies have not been reported for this variant. This variant has not been reported in individuals affected with SDHAF2-related disorders in the literature. This variant has been identified in 2/250796 chromosomes in the general population by the Genome Aggregation Database (gnomAD). The available evidence is insufficient to determine the role of this variant in disease conclusively. Therefore, this variant is classified as a Variant of Uncertain Significance.

Baylor Genetics
Classification: Uncertain significance for Pheochromocytoma/paraganglioma syndrome 2. Last evaluated: 2024-02-15. Review status: criteria provided, single submitter. Criteria: ACMG Guidelines, 2015. Collection method: clinical testing. Allele origin: unknown.

All of Us Research Program, National Institutes of Health
Classification: Uncertain significance for Hereditary pheochromocytoma and paraganglioma. Last evaluated: 2024-01-08. Review status: criteria provided, single submitter. Criteria: ACMG Guidelines, 2015. Collection method: clinical testing. Allele origin: germline. Inheritance: Autosomal dominant inheritance. Observed: 1 variant allele, 1 heterozygote.
Comment: This missense variant replaces threonine with isoleucine at codon 65 of the SDHAF2 protein. Computational prediction suggests that this variant may not impact protein structure and function (internally defined REVEL score threshold <= 0.5, PMID: 27666373). To our knowledge, functional studies have not been reported for this variant. This variant has not been reported in individuals affected with SDHAF2-related disorders in the literature. This variant has been identified in 2/250796 chromosomes in the general population by the Genome Aggregation Database (gnomAD). The available evidence is insufficient to determine the role of this variant in disease conclusively. Therefore, this variant is classified as a Variant of Uncertain Significance.

This study involves interpretation of variants in research participants for the purpose of population health screening. Participant phenotype was not available at the time of variant classification. Additional details can be found in publication PMID: 35346344, PMCID: PMC8962531

Institute for Clinical Genetics, University Hospital TU Dresden, University Hospital TU Dresden
Classification: Uncertain significance. Last evaluated: 2021-11-03. Review status: criteria provided, single submitter. Criteria: ACMG Guidelines, 2015. Collection method: clinical testing. Allele origin: germline.

NM_017841.4(SDHAF2):c.194C>T (p.Thr65Ile)

Gene: SDHAF2 (succinate dehydrogenase complex assembly factor 2; plus strand). Cytogenetic location: 11q12.2.
Variant type: single nucleotide variant.
Coding change: c.194C>T on transcript NM_017841.4 (MANE Select); coding-DNA position 194, C replaced by T.
Protein change: p.Thr65Ile; replaces threonine 65 with isoleucine.
Molecular consequence: missense variant.
Genome position (GRCh38, 1-based): chr11:61,437,782, C>T. VCF-style: chr11-61437782-C-T. GRCh37 (hg19) VCF-style: chr11-61205254-C-T.
Other names: c.194C>T (NM_017841.1); short protein forms T65I.
Identifiers: ClinVar variation 576139 (VCV000576139.21), dbSNP rs752462796, ClinGen allele CA057912.